The following is an entry in ClinVar:

NM_182961.4(SYNE1):c.23146-1G>A

Gene: SYNE1 (spectrin repeat containing nuclear envelope protein 1; minus strand). Cytogenetic location: 6q25.2.
Variant type: single nucleotide variant.
Coding change: c.23146-1G>A on transcript NM_182961.4 (MANE Select); the canonical splice acceptor site of the intron before coding-DNA position 23146, G replaced by A.
Molecular consequence: splice acceptor variant.
Genome position (GRCh38, 1-based): chr6:152,189,408, C>T on the plus strand (G>A on the coding strand, the complement: SYNE1 is on the minus strand). VCF-style: chr6-152189408-C-T. GRCh37 (hg19) VCF-style: chr6-152510543-C-T.
Other names: c.22933-1G>A (NM_033071.5).
Identifiers: ClinVar variation 3756675 (VCV003756675.2).

ClinVar aggregate classification (germline): Likely pathogenic (1 of 4 stars; one submission).

Conditions:
Emery-Dreifuss muscular dystrophy 4, autosomal dominant (EDMD4). Also called: EMERY-DREIFUSS MUSCULAR DYSTROPHY 4 WITH VARIABLE FEATURES. Identifiers: Orphanet 261, MedGen C2751807, MONDO:0013071, OMIM 612998.
Autosomal recessive ataxia, Beauce type. Also called: Spinocerebellar ataxia, autosomal recessive 8; ATAXIA, RECESSIVE, OF BEAUCE; SYNE1-Related Autosomal Recessive Cerebellar Ataxia; SYNE1 Deficiency. Identifiers: Orphanet 88644, MedGen C1853116, MONDO:0012549, OMIM 610743.

Submission:

Labcorp Genetics (formerly Invitae), Labcorp
Classification: Likely pathogenic for Emery-Dreifuss muscular dystrophy 4, autosomal dominant; Autosomal recessive ataxia, Beauce type. Last evaluated: 2024-08-13. Review status: criteria provided, single submitter. Criteria: Invitae Variant Classification Sherloc (09022015). Collection method: clinical testing. Allele origin: germline.
Comment: This sequence change affects an acceptor splice site in intron 126 of the SYNE1 gene. It is expected to disrupt RNA splicing. Variants that disrupt the donor or acceptor splice site typically lead to a loss of protein function (PMID: 16199547), and loss-of-function variants in SYNE1 are known to be pathogenic (PMID: 19542096, 24319099, 27086870). This variant is not present in population databases (gnomAD no frequency). This variant has not been reported in the literature in individuals affected with SYNE1-related conditions. Algorithms developed to predict the effect of sequence changes on RNA splicing suggest that this variant may disrupt the consensus splice site. In summary, the currently available evidence indicates that the variant is pathogenic, but additional data are needed to prove that conclusively. Therefore, this variant has been classified as Likely Pathogenic.

Literature cited by the submitters: PubMed 16199547; PubMed 19542096; PubMed 24319099; PubMed 27086870.